The following is an entry in ClinVar:

NM_000111.3(SLC26A3):c.1225A>G (p.Lys409Glu)

Gene: SLC26A3 (solute carrier family 26 member 3; minus strand). Cytogenetic location: 7q22.3.
Variant type: single nucleotide variant.
Coding change: c.1225A>G on transcript NM_000111.3 (MANE Select); coding-DNA position 1225, A replaced by G.
Protein change: p.Lys409Glu; replaces lysine 409 with glutamic acid.
Molecular consequence: missense variant.
Genome position (GRCh38, 1-based): chr7:107,782,988, T>C on the plus strand (A>G on the coding strand, the complement: SLC26A3 is on the minus strand). VCF-style: chr7-107782988-T-C. GRCh37 (hg19) VCF-style: chr7-107423433-T-C.
Other names: short protein forms K409E.
Identifiers: ClinVar variation 1919354 (VCV001919354.4), dbSNP rs2535462998, ClinGen allele CA368851732.
Genomic context (GRCh38, chr7:107,782,988, plus strand): 5'-TTTCCTAGTTACTAACGCTAGGACAGTGCTTGCAGCAAAGATCTTGACATACCTGTGTTT[T>C]GCCTCCTGTGCTCTCCTGAACTGCTGATCTGGAGAGGGCAGTACTCCCAGCAAATCCTCT-3'
Protein context (NP_000102.1, residues 399-419): RSAVQESTGG[Lys409Glu]TQIAGLIGAI

ClinVar aggregate classification (germline): Uncertain significance (1 of 4 stars; one submission).

Submission:

Labcorp Genetics (formerly Invitae), Labcorp
Classification: Uncertain significance. Last evaluated: 2022-10-13. Review status: criteria provided, single submitter. Criteria: Invitae Variant Classification Sherloc (09022015). Collection method: clinical testing. Allele origin: germline.
Comment: In summary, the available evidence is currently insufficient to determine the role of this variant in disease. Therefore, it has been classified as a Variant of Uncertain Significance. Advanced modeling of protein sequence and biophysical properties (such as structural, functional, and spatial information, amino acid conservation, physicochemical variation, residue mobility, and thermodynamic stability) performed at Invitae indicates that this missense variant is expected to disrupt SLC26A3 protein function. This variant has not been reported in the literature in individuals affected with SLC26A3-related conditions. This variant is not present in population databases (gnomAD no frequency). This sequence change replaces lysine, which is basic and polar, with glutamic acid, which is acidic and polar, at codon 409 of the SLC26A3 protein (p.Lys409Glu).